The following is an entry in ClinVar:

NM_000038.6(APC):c.2720G>T (p.Gly907Val)

Gene: APC (APC regulator of Wnt signaling pathway; plus strand). Cytogenetic location: 5q22.2.
Variant type: single nucleotide variant.
Coding change: c.2720G>T on transcript NM_000038.6 (MANE Select); coding-DNA position 2720, G replaced by T.
Protein change: p.Gly907Val; replaces glycine 907 with valine.
Molecular consequence: missense variant.
Genome position (GRCh38, 1-based): chr5:112,838,314, G>T. VCF-style: chr5-112838314-G-T. GRCh37 (hg19) VCF-style: chr5-112174011-G-T.
Other names: c.2720G>T, p.Gly907Val (NM_001127510.3, NM_001354895.2); c.2666G>T, p.Gly889Val (NM_001127511.3); c.2774G>T, p.Gly925Val (NM_001354896.2); c.2750G>T, p.Gly917Val (NM_001354897.2); c.2645G>T, p.Gly882Val (NM_001354898.2); c.2636G>T, p.Gly879Val (NM_001354899.2); c.2597G>T, p.Gly866Val (NM_001354900.2); c.2543G>T, p.Gly848Val (NM_001354901.2); and 5 more; short protein forms G781V, G816V, G917V, G925V, G624V, G882V, G907V, G848V.
Identifiers: ClinVar variation 950071 (VCV000950071.17), dbSNP rs1370667212, ClinGen allele CA16027269.

ClinVar aggregate classification (germline): Uncertain significance. Review status: criteria provided, multiple submitters, no conflicts (2 of 4 stars). 6 submissions from 6 submitters: Uncertain significance (6). Last evaluated 2025-10-14.

Conditions:
Familial adenomatous polyposis 1 (FAP1). Also called: POLYPOSIS, ADENOMATOUS INTESTINAL; FAMILIAL ADENOMATOUS POLYPOSIS 1, ATTENUATED. Identifiers: MedGen C2713442, MONDO:0021056, OMIM 175100. Disease mechanism: loss of function.
Classic or attenuated familial adenomatous polyposis. Identifiers: MedGen CN372698, MONDO:0021057.
Hereditary cancer-predisposing syndrome. Also called: Tumor predisposition; Hereditary neoplastic syndrome; Neoplastic Syndromes, Hereditary; Hereditary Cancer Syndrome. Identifiers: Orphanet 140162, MedGen C0027672, MeSH D009386, MONDO:0015356.

gnomAD v4.1: 27 of 1,614,126 alleles (0.0017%); highest among the groups gnomAD compares: Non-Finnish European, 0.0023%; no homozygotes.

Submissions (6):

Ambry Genetics
Classification: Uncertain significance for Hereditary cancer-predisposing syndrome. Last evaluated: 2025-10-14. Review status: criteria provided, single submitter. Criteria: Ambry Variant Classification Scheme 2023. Collection method: clinical testing. Allele origin: germline.
Comment: The p.G907V variant (also known as c.2720G>T), located in coding exon 15 of the APC gene, results from a G to T substitution at nucleotide position 2720. The glycine at codon 907 is replaced by valine, an amino acid with dissimilar properties. This amino acid position is not well conserved in available vertebrate species. In addition, in silico predictors for this gene do not accurately predict pathogenicity. Based on the available evidence, the clinical significance of this variant remains unclear.

Labcorp Genetics (formerly Invitae), Labcorp
Classification: Uncertain significance for Familial adenomatous polyposis 1. Last evaluated: 2025-05-21. Review status: criteria provided, single submitter. Criteria: Invitae Variant Classification Sherloc (09022015). Collection method: clinical testing. Allele origin: germline.
Comment: This sequence change replaces glycine, which is neutral and non-polar, with valine, which is neutral and non-polar, at codon 907 of the APC protein (p.Gly907Val). This variant is not present in population databases (gnomAD no frequency). This variant has not been reported in the literature in individuals affected with APC-related conditions. ClinVar contains an entry for this variant (Variation ID: 950071). Invitae Evidence Modeling of protein sequence and biophysical properties (such as structural, functional, and spatial information, amino acid conservation, physicochemical variation, residue mobility, and thermodynamic stability) indicates that this missense variant is not expected to disrupt APC protein function with a negative predictive value of 95%. In summary, the available evidence is currently insufficient to determine the role of this variant in disease. Therefore, it has been classified as a Variant of Uncertain Significance.

All of Us Research Program, National Institutes of Health
Classification: Uncertain significance for Classic or attenuated familial adenomatous polyposis. Last evaluated: 2024-03-24. Review status: criteria provided, single submitter. Criteria: ACMG Guidelines, 2015. Collection method: clinical testing. Allele origin: germline. Inheritance: Autosomal dominant inheritance. Observed: 1 variant allele, 1 heterozygote.
Comment: This missense variant replaces glycine with valine at codon 907 of the APC protein. Computational prediction suggests that this variant may not impact protein structure and function (internally defined REVEL score threshold <= 0.5, PMID: 27666373). To our knowledge, functional studies have not been reported for this variant. This variant has not been reported in individuals affected with APC-related disorders in the literature. This variant has not been identified in the general population by the Genome Aggregation Database (gnomAD). The available evidence is insufficient to determine the role of this variant in disease conclusively. Therefore, this variant is classified as a Variant of Uncertain Significance.

This study involves interpretation of variants in research participants for the purpose of population health screening. Participant phenotype was not available at the time of variant classification. Additional details can be found in publication PMID: 35346344, PMCID: PMC8962531

Baylor Genetics
Classification: Uncertain significance for Familial adenomatous polyposis 1. Last evaluated: 2023-11-07. Review status: criteria provided, single submitter. Criteria: ACMG Guidelines, 2015. Collection method: clinical testing. Allele origin: unknown.

Department of Pathology and Laboratory Medicine, Sinai Health System
Classification: Uncertain significance for classic or attenuated familial adenomatous polyposis. Last evaluated: 2023-05-02. Review status: criteria provided, single submitter. Criteria: ACMG Guidelines, 2015. Collection method: clinical testing. Allele origin: germline. Affected: no.

GeneDx
Classification: Uncertain significance. Last evaluated: 2020-02-27. Review status: criteria provided, single submitter. Criteria: GeneDx Variant Classification Process June 2021. Collection method: clinical testing. Allele origin: germline. Affected: yes.
Comment: Not observed in large population cohorts (Lek 2016); In silico analysis supports that this missense variant does not alter protein structure/function; Has not been previously published as pathogenic or benign to our knowledge